The following is an entry in ClinVar:

ClinVar aggregate classification (germline): Uncertain significance. Review status: criteria provided, multiple submitters, no conflicts (2 of 4 stars). 2 submissions from 2 submitters: Uncertain significance (2). Last evaluated 2025-09-22.

Conditions:
Saldino-Mainzer syndrome (SRTD9). Also called: SHORT-RIB THORACIC DYSPLASIA 9 WITHOUT POLYDACTYLY; Renal dysplasia, retinal pigmentary dystrophy, cerebellar ataxia and skeletal dysplasia; short-rib thoracic dysplasia 9 with or without polydactyly; CONORENAL SYNDROME. Identifiers: Orphanet 140969, MedGen C1849437, MONDO:0009964, OMIM 266920.

Allele frequency attached by ClinVar (database versions not stated): TOPMed below 0.00001; gnomAD 0.00001; gnomAD exomes 0.00001 and 0.00002; ExAC 0.00002.
gnomAD v4.1: 19 of 1,614,016 alleles (0.0012%); highest among the groups gnomAD compares: East Asian, 0.0022%; no homozygotes.

Submissions (2):

Labcorp Genetics (formerly Invitae), Labcorp
Classification: Uncertain significance for Saldino-Mainzer syndrome. Last evaluated: 2025-09-22. Review status: criteria provided, single submitter. Criteria: Invitae Variant Classification Sherloc (09022015). Collection method: clinical testing. Allele origin: germline.
Comment: This sequence change replaces glutamic acid, which is acidic and polar, with lysine, which is basic and polar, at codon 468 of the IFT140 protein (p.Glu468Lys). This variant is present in population databases (rs756882000, gnomAD 0.006%). This variant has not been reported in the literature in individuals affected with IFT140-related conditions. ClinVar contains an entry for this variant (Variation ID: 886294). Invitae Evidence Modeling of protein sequence and biophysical properties (such as structural, functional, and spatial information, amino acid conservation, physicochemical variation, residue mobility, and thermodynamic stability) indicates that this missense variant is not expected to disrupt IFT140 protein function with a negative predictive value of 80%. In summary, the available evidence is currently insufficient to determine the role of this variant in disease. Therefore, it has been classified as a Variant of Uncertain Significance.

Illumina Laboratory Services, Illumina
Classification: Uncertain significance for Saldino-Mainzer syndrome. Last evaluated: 2018-01-13. Review status: criteria provided, single submitter. Criteria: ICSL Variant Classification Criteria 13 December 2019. Collection method: clinical testing. Allele origin: germline.

NM_014714.4(IFT140):c.1402G>A (p.Glu468Lys)

Genes: IFT140 (intraflagellar transport 140; minus strand), LOC105371046 (uncharacterized LOC105371046; plus strand). Cytogenetic location: 16p13.3.
Variant type: single nucleotide variant.
Coding change: c.1402G>A on transcript NM_014714.4 (MANE Select); coding-DNA position 1402, G replaced by A.
Protein change: p.Glu468Lys; replaces glutamic acid 468 with lysine.
Molecular consequence: missense variant.
Genome position (GRCh38, 1-based): chr16:1,583,344, C>T on the plus strand (G>A on the coding strand, the complement: IFT140 is on the minus strand). VCF-style: chr16-1583344-C-T. GRCh37 (hg19) VCF-style: chr16-1633345-C-T.
Other names: short protein forms E468K.
Identifiers: ClinVar variation 886294 (VCV000886294.11), dbSNP rs756882000, ClinGen allele CA7814315.